The following is an entry in ClinVar:

NM_002775.5(HTRA1):c.973-6T>C

Gene: HTRA1 (HtrA serine peptidase 1; plus strand). Cytogenetic location: 10q26.13.
Variant type: single nucleotide variant.
Coding change: c.973-6T>C on transcript NM_002775.5 (MANE Select); 6 bases into the intron before coding-DNA position 973, T replaced by C.
Molecular consequence: intron variant.
Genome position (GRCh38, 1-based): chr10:122,507,364, T>C. VCF-style: chr10-122507364-T-C. GRCh37 (hg19) VCF-style: chr10-124266880-T-C.
Identifiers: ClinVar variation 1658545 (VCV001658545.12), dbSNP rs747305348, ClinGen allele CA5726005.

ClinVar aggregate classification (germline): Conflicting classifications of pathogenicity. Review status: criteria provided, conflicting classifications (1 of 4 stars). 2 submissions from 2 submitters: Uncertain significance (1); Likely benign (1). Last evaluated 2026-02-01.

Allele frequency attached by ClinVar (database versions not stated): gnomAD 0.00002; TOPMed 0.00005.
gnomAD v4.1: 47 of 1,609,832 alleles (0.0029%); highest among the groups gnomAD compares: Non-Finnish European, 0.004%; no homozygotes.

Submissions (2):

CeGaT Center for Human Genetics Tuebingen
Classification: Uncertain significance. Last evaluated: 2026-02-01. Review status: criteria provided, single submitter. Criteria: CeGaT Center For Human Genetics Tuebingen Variant Classification Criteria Version 2. Collection method: clinical testing. Allele origin: germline. Affected: yes. Observed: 1 variant allele.
Comment: HTRA1: PM2, BP4

Labcorp Genetics (formerly Invitae), Labcorp
Classification: Likely benign. Last evaluated: 2024-12-20. Review status: criteria provided, single submitter. Criteria: Invitae Variant Classification Sherloc (09022015). Collection method: clinical testing. Allele origin: germline.